The following is an entry in ClinVar:

ClinVar aggregate classification (germline): Likely benign (0 of 4 stars; one submission).

Conditions:
TGM3-related disorder. Also called: TGM3-related condition.

Allele frequency attached by ClinVar (database versions not stated): ExAC 0.00004; gnomAD 0.00007; ESP Exome Variant Server 0.00015.
gnomAD v4.1: 32 of 1,613,500 alleles (0.002%); highest among the groups gnomAD compares: African/African-American, 0.02%; no homozygotes.

Submission:

PreventionGenetics, part of Exact Sciences
Classification: Likely benign for TGM3-related condition. Last evaluated: 2021-12-03. Review status: no assertion criteria provided. Collection method: clinical testing. Allele origin: germline.
Comment: This variant is classified as likely benign based on ACMG/AMP sequence variant interpretation guidelines (Richards et al. 2015 PMID: 25741868, with internal and published modifications).

NM_003245.4(TGM3):c.1587G>A (p.Thr529=)

Gene: TGM3 (transglutaminase 3; plus strand). Cytogenetic location: 20p13.
Variant type: single nucleotide variant.
Coding change: c.1587G>A on transcript NM_003245.4 (MANE Select); coding-DNA position 1587, G replaced by A.
Protein change: p.Thr529=; no amino-acid change (threonine 529 retained).
Molecular consequence: synonymous variant.
Genome position (GRCh38, 1-based): chr20:2,332,255, G>A. VCF-style: chr20-2332255-G-A. GRCh37 (hg19) VCF-style: chr20-2312901-G-A.
Identifiers: ClinVar variation 3036112 (VCV003036112.2), dbSNP rs369738624, ClinGen allele CA9731215.